The following continues an entry in ClinVar:

NM_000051.4(ATM):c.7327C>T (p.Arg2443Ter)

ClinVar aggregate classification (germline): Pathogenic. Pathogenic (23). ClinVar aggregate classification (oncogenicity): Likely oncogenic.

Submissions 13 to 29 of 29:

Victorian Clinical Genetics Services, Murdoch Childrens Research Institute
Classification: Pathogenic for Familial cancer of breast. Last evaluated: 2023-07-17. Review status: criteria provided, single submitter. Criteria: ACMG Guidelines, 2015. Collection method: clinical testing. Allele origin: germline. Inheritance: Autosomal dominant inheritance. Affected: no.
Comment: Based on the classification scheme VCGS_Germline_v1.3.4, this variant is classified as Pathogenic. Following criteria are met: 0102 - Loss of function is a known mechanism of disease in this gene and is associated with ataxia-telangiectasia (MIM#208900) and susceptibility to breast cancer (MIM#114480). (I) 0108 - This gene is associated with both recessive and dominant disease. Biallelic variants in this gene result in ataxia-telangiectasia; however, heterozygous carriers of specific pathogenic variants have an increased risk of breast cancer (PMID: 27595995). Germline variants in this gene may also contribute to increased risk of other cancers including gastric, colorectal, and pancreatic cancers, however the risk is not well-established at this stage (PMIDs: 22585167, 27978560, 26506520). (I) 0115 - Variants in this gene are known to have variable expressivity with regard to ataxia-telangiectasia. Variable age of onset and rate of disease progression have been reported for affected individuals within the same family (PMIDs: 20301790, 27884168). (I) 0201 - Variant is predicted to cause nonsense-mediated decay (NMD) and loss of protein (premature termination codon is located at least 54 nucleotides upstream of the final exon-exon junction). (SP) 0251 - This variant is heterozygous. (I) 0304 - Variant is present in gnomAD <0.01 (1 heterozygote, 0 homozygotes). (SP) 0701 - Other premature termination variants comparable to the one identified in this case have very strong previous evidence for pathogenicity. Many NMD-predicted variants in this gene have been reported as likely pathogenic/pathogenic (ClinVar). (SP) 0801 - This variant has strong previous evidence of pathogenicity in unrelated individuals. It has been reported as pathogenic by many clinical testing laboratories (ClinVar). (I) Legend: (SP) - Supporting pathogenic, (I) - Information, (SB) - Supporting benign

GeneDx
Classification: Pathogenic. Last evaluated: 2023-02-17. Review status: criteria provided, single submitter. Criteria: GeneDx Variant Classification Process June 2021. Collection method: clinical testing. Allele origin: germline. Affected: yes.
Comment: Nonsense variant predicted to result in protein truncation or nonsense mediated decay in a gene for which loss of function is a known mechanism of disease; Observed as heterozygous in individuals with personal or family cancer history consistent with pathogenic variants in this gene referred for genetic testing at GeneDx and in published literature (Leongamornlert et al., 2014, Hu et al., 2016, Lhota et al., 2016, Resch et al., 2021); Not observed at significant frequency in large population cohorts (gnomAD); Truncating variants in this gene are considered pathogenic by a well-established clinical consortium and/or database; This variant is associated with the following publications: (PMID: 19440741, 21833744, 29922827, 24556621, 9443866, 25525159, 15101044, 12497634, 26822949, 28059096, 26483394, 28984303, 12673797, 10817650, 8808599, 9887333, 12697903, 17203191, 29522266, 30322717, 28888541, 33436325, 34680878, 30198223)

Blueprint Genetics
Classification: Pathogenic for ATM-related disorders. Last evaluated: 2022-11-28. Review status: criteria provided, single submitter. Criteria: ACMG Guidelines, 2015. Collection method: clinical testing. Allele origin: germline. Affected: yes. Observed: 1 variant allele.

3billion
Classification: Pathogenic for Ataxia-telangiectasia syndrome. Last evaluated: 2022-05-22. Review status: criteria provided, single submitter. Criteria: ACMG Guidelines, 2015. Collection method: clinical testing. Allele origin: germline. Affected: yes. Observed: 1 heterozygote.
Comment: The variant is observed at an extremely low frequency in the gnomAD v2.1.1 dataset (total allele frequency: <0.001%). Stop-gained (nonsense): predicted to result in a loss or disruption of normal protein function through nonsense-mediated decay (NMD) or protein truncation. Multiple pathogenic variants are reported downstream of the variant. The variant has been reported at least twice as pathogenic with clinical assertions and evidence for the classification (ClinVar ID: VCV000003036). Therefore, this variant is classified as pathogenic according to the recommendation of ACMG/AMP guideline.

Department of Pathology and Laboratory Medicine, Sinai Health System
Classification: Pathogenic for ATM-related cancer predisposition. Last evaluated: 2021-04-28. Review status: criteria provided, single submitter. Criteria: ACMG Guidelines, 2015. Collection method: clinical testing. Allele origin: germline. Affected: yes.

Revvity Omics, Revvity
Classification: Pathogenic for Ataxia-telangiectasia syndrome. Last evaluated: 2021-01-21. Review status: criteria provided, single submitter. Criteria: ACMG Guidelines, 2015. Collection method: clinical testing. Allele origin: germline.

Institute of Medical Genetics and Applied Genomics, University Hospital Tübingen
Classification: Pathogenic. Last evaluated: 2020-10-23. Review status: criteria provided, single submitter. Criteria: ACMG Guidelines, 2015. Collection method: clinical testing. Allele origin: germline. Inheritance: Unknown mechanism. Affected: yes.

Department of Molecular Diagnostics, Institute of Oncology Ljubljana
Classification: Pathogenic for Familial cancer of breast. Last evaluated: 2020-04-02. Review status: criteria provided, single submitter. Criteria: ACMG Guidelines, 2015. Collection method: clinical testing. Allele origin: germline. Affected: yes.

Division of Medical Genetics, University of Washington
Classification: Pathogenic for Familial cancer of breast. Last evaluated: 2019-04-15. Review status: criteria provided, single submitter. Criteria: ACMG Guidelines, 2015. Collection method: clinical testing. Allele origin: germline. Affected: no. Study: CSER_CHARM.
Comment: The c.7327C>T variant creates a premature stop codon which is expected to lead to protein truncation or nonsense-mediated mRNA decay. Loss-of-function variants in ATM are considered pathogenic (Podralska 2014, Huang 2013). Women who are heterozygous for pathogenic variants in ATM have an increased risk for breast cancer. Men and women who are heterozygous for pathogenic variants in ATM may have an increased risk for pancreatic cancer. There are multiple reported individuals with breast, pancreatic and/or prostate cancer who are heterozygous for the c.7327C>T ATM variant (Leongamornlert 2014, Lhota 2016, Hu 2016). Individuals who are homozygous or compound heterozygous for pathogenic variants in ATM have Ataxia-telangiectasia. The c.7327C>T ATM variant has been reported in multiple individuals with Ataxia-telangiectasia who are compound heterozygous for a second ATM pathogenic variant (Soukupova 2011, Delia 2003, Li 2000, Sandoval 1999, Wright 1996). Thus, this variant is interpreted as pathogenic.

Centre of Medical Genetics, University Hospital Muenster
Classification: Pathogenic. Last evaluated: 2018-01-23. Review status: criteria provided, single submitter. Criteria: ACMG Guidelines, 2015. Collection method: clinical testing. Allele origin: unknown. Affected: yes. Observed: 1 variant allele, 1 heterozygote.
Comment: ACMG categories: PVS1,PM2_sup,PM3

PreventionGenetics, part of Exact Sciences
Classification: Pathogenic. Last evaluated: 2017-07-14. Review status: criteria provided, single submitter. Criteria: ACMG Guidelines, 2015. Collection method: clinical testing. Allele origin: germline.

Women's Health and Genetics/Laboratory Corporation of America, LabCorp
Classification: Pathogenic for Ataxia-telangiectasia syndrome. Last evaluated: 2017-02-02. Review status: criteria provided, single submitter. Criteria: LabCorp Variant Classification Summary - May 2015. Collection method: clinical testing. Allele origin: germline.
Comment: Variant summary: The ATM c.7327C>T (p.Arg2443X) variant results in a premature termination codon, predicted to cause absent ATM protein due to nonsense mediated decay, which are commonly known mechanisms for disease. This prediction has been confirmed by one study showing that the ATM protein is absent in cells from a patient who carries the variant of interest and a frameshift variant (Prodosmo_2013). Truncations downstream of this position have been classified as pathogenic by our laboratory (e.g.c.7517_7520delGAGA, c.8264_8268delATAAG). One in silico tool predicts a damaging outcome for this variant. This variant has been reported in multiple AT patients and is absent in 119996 control chromosomes. In addition, multiple clinical diagnostic laboratories/reputable databases classified this variant as pathogenic/likely pathogenic. Taken together, this variant is classified as pathogenic.

Practice for Gait Abnormalities, David Pomarino, Competency Network Toe Walking C/o Practice Pomarino
Classification: Pathogenic for Tip-toe gait. Last evaluated: 2023-06-07. Review status: no assertion criteria provided. Collection method: clinical testing. Allele origin: germline. Affected: yes. Not counted in ClinVar's aggregate classification.
Comment: Gait disorder

CZECANCA consortium
Classification: Pathogenic for Carcinoma of pancreas. Last evaluated: 2021-03-04. Review status: no assertion criteria provided. Collection method: case-control. Allele origin: germline. Affected: yes. Observed: 1 variant allele. Not counted in ClinVar's aggregate classification.

CZECANCA consortium
Classification: Pathogenic for Breast and/or ovarian cancer. Last evaluated: 2019-06-11. Review status: no assertion criteria provided. Collection method: clinical testing. Allele origin: germline. Affected: yes. Observed: 1 variant allele. Not counted in ClinVar's aggregate classification.

Counsyl
Classification: Likely pathogenic for Ataxia-telangiectasia syndrome. Last evaluated: 2014-07-19. Review status: no assertion criteria provided. Collection method: literature only. Allele origin: unknown. Inheritance: Autosomal recessive inheritance. Not counted in ClinVar's aggregate classification.

OMIM
Classification: Pathogenic for ATAXIA-TELANGIECTASIA. Last evaluated: 1999-01-01. Review status: no assertion criteria provided. Collection method: literature only. Allele origin: germline. Not counted in ClinVar's aggregate classification.

Literature cited by the submitters: PubMed 23807571 (cited by Labcorp Genetics (formerly Invitae), Labcorp); PubMed 25614872 (cited by Labcorp Genetics (formerly Invitae), Labcorp); PubMed 8808599 (cited by 5 submitters); PubMed 9887333 (cited by 5 submitters); PubMed 10817650 (cited by 5 submitters); PubMed 14586414 (cited by Labcorp Genetics (formerly Invitae), Labcorp); PubMed 21833744 (cited by Labcorp Genetics (formerly Invitae), Labcorp); PubMed 24556621 (cited by 4 submitters); PubMed 26483394 (cited by 3 submitters); PubMed 26822949 (cited by 4 submitters); PubMed 14970866 (cited by Labcorp Genetics (formerly Invitae), Labcorp); PubMed 15101044 (cited by 3 submitters); PubMed 23454770 (cited by Color Diagnostics, LLC DBA Color Health and Women's Health and Genetics/Laboratory Corporation of America, LabCorp); PubMed 33919281 (cited by Color Diagnostics, LLC DBA Color Health); PubMed 34337741 (cited by Color Diagnostics, LLC DBA Color Health); PubMed 34680878 (cited by Color Diagnostics, LLC DBA Color Health); PubMed 35078243 (cited by Color Diagnostics, LLC DBA Color Health); PubMed 20301790 (cited by Victorian Clinical Genetics Services, Murdoch Childrens Research Institute); PubMed 22585167 (cited by Victorian Clinical Genetics Services, Murdoch Childrens Research Institute); PubMed 26506520 (cited by Victorian Clinical Genetics Services, Murdoch Childrens Research Institute); PubMed 27595995 (cited by Victorian Clinical Genetics Services, Murdoch Childrens Research Institute); PubMed 27884168 (cited by Victorian Clinical Genetics Services, Murdoch Childrens Research Institute); PubMed 27978560 (cited by Victorian Clinical Genetics Services, Murdoch Childrens Research Institute); PubMed 12673797 (cited by Women's Health and Genetics/Laboratory Corporation of America, LabCorp); PubMed 12497634 (cited by Women's Health and Genetics/Laboratory Corporation of America, LabCorp); PubMed 37091313 (cited by Practice for Gait Abnormalities, David Pomarino, Competency Network Toe Walking C/o Practice Pomarino); PubMed 32295079 (cited by CZECANCA consortium); PubMed 9443866 (cited by Counsyl and OMIM); PubMed 3338800 (cited by OMIM).